The following is an entry in ClinVar:

ClinVar aggregate classification (germline): Uncertain significance (1 of 4 stars; one submission).

Submission:

Dasa
Classification: Uncertain significance. Last evaluated: 2025-06-24. Review status: criteria provided, single submitter. Criteria: DASA Assertion Criteria. Collection method: clinical testing. Allele origin: germline.
Comment: NM_006306.4(SMC1A):c.1337+3_1337+5del is a splice-region variant. This variant is absent from population databases. Computational prediction algorithms are consistent with a benign effect. The currently available literature and clinical evidence are not sufficient to establish a definitive association between this variant and the reported condition. Therefore, this variant is classified as a variant of uncertain significance.

NM_006306.4(SMC1A):c.1337+3_1337+5del

Gene: SMC1A (structural maintenance of chromosomes 1A; minus strand). Cytogenetic location: Xp11.22.
Variant type: Deletion.
Coding change: c.1337+3_1337+5del on transcript NM_006306.4 (MANE Select); bases 3 to 5 of the intron after coding-DNA position 1337, 3 bases deleted (ATG; older notation c.1337+3_1337+5delATG).
Molecular consequence: intron variant.
Genome position (GRCh38, 1-based): chrX:53,409,416-53,409,418, CAT deleted on the plus strand (ATG on the coding strand, the reverse complement: SMC1A is on the minus strand). VCF-style (leftmost placement, unchanged base first): chrX-53409415-ACAT-A. GRCh37 (hg19) VCF-style: chrX-53436346-ACAT-A.
Other names: c.1271+3_1271+5del (NM_001281463.1).
Identifiers: ClinVar variation 4886323 (VCV004886323.2).